The following is an entry in ClinVar:

NM_000138.5(FBN1):c.2820A>G (p.Gly940=)

Gene: FBN1 (fibrillin 1; minus strand). Cytogenetic location: 15q21.1.
Variant type: single nucleotide variant.
Coding change: c.2820A>G on transcript NM_000138.5 (MANE Select); coding-DNA position 2820, A replaced by G.
Protein change: p.Gly940=; no amino-acid change (glycine 940 retained).
Molecular consequence: synonymous variant.
Genome position (GRCh38, 1-based): chr15:48,492,495, T>C on the plus strand (A>G on the coding strand, the complement: FBN1 is on the minus strand). VCF-style: chr15-48492495-T-C. GRCh37 (hg19) VCF-style: chr15-48784692-T-C.
Other names: c.2820A>G, p.Gly940= (NM_001406716.1).
Identifiers: ClinVar variation 4875385 (VCV004875385.2).

ClinVar aggregate classification (germline): Likely benign (1 of 4 stars; one submission).

Submission:

CeGaT Center for Human Genetics Tuebingen
Classification: Likely benign. Last evaluated: 2026-06-01. Review status: criteria provided, single submitter. Criteria: CeGaT Center For Human Genetics Tuebingen Variant Classification Criteria Version 2. Collection method: clinical testing. Allele origin: germline. Affected: yes. Observed: 1 variant allele.
Comment: FBN1: PM2:Supporting, BP4, BP7